The following is an entry in ClinVar:

ClinVar aggregate classification (germline): Uncertain significance (1 of 4 stars; one submission).

gnomAD v4.1: 7 of 1,614,020 alleles (0.00043%); highest among the groups gnomAD compares: East Asian, 0.0022%; no homozygotes.

Submission:

Labcorp Genetics (formerly Invitae), Labcorp
Classification: Uncertain significance. Last evaluated: 2024-06-02. Review status: criteria provided, single submitter. Criteria: Invitae Variant Classification Sherloc (09022015). Collection method: clinical testing. Allele origin: germline.
Comment: This sequence change replaces valine, which is neutral and non-polar, with methionine, which is neutral and non-polar, at codon 3148 of the TRRAP protein (p.Val3148Met). This variant is present in population databases (rs773731618, gnomAD 0.005%). This variant has not been reported in the literature in individuals affected with TRRAP-related conditions. Advanced modeling of protein sequence and biophysical properties (such as structural, functional, and spatial information, amino acid conservation, physicochemical variation, residue mobility, and thermodynamic stability) performed at Invitae indicates that this missense variant is not expected to disrupt TRRAP protein function with a negative predictive value of 80%. In summary, the available evidence is currently insufficient to determine the role of this variant in disease. Therefore, it has been classified as a Variant of Uncertain Significance.

NM_001375524.1(TRRAP):c.9517G>A (p.Val3173Met)

Gene: TRRAP (transformation/transcription domain associated protein; plus strand). Cytogenetic location: 7q22.1.
Variant type: single nucleotide variant.
Coding change: c.9517G>A on transcript NM_001375524.1 (MANE Select); coding-DNA position 9517, G replaced by A.
Protein change: p.Val3173Met; replaces valine 3173 with methionine.
Molecular consequence: missense variant.
Genome position (GRCh38, 1-based): chr7:98,988,892, G>A. VCF-style: chr7-98988892-G-A. GRCh37 (hg19) VCF-style: chr7-98586515-G-A.
Other names: c.9529G>A, p.Val3177Met (NM_001244580.2); c.9442G>A, p.Val3148Met (NM_003496.4); short protein forms V3148M, V3173M, V3177M.
Identifiers: ClinVar variation 3611740 (VCV003611740.2).
Genomic context (GRCh38, chr7:98,988,892, plus strand): 5'-GCCATGTGGGGCGACTACCTGGAGAACATCTTTGTGAAGGAGCGGCAGCTGCACCTGGGC[G>A]TGTCTGCCATCACCTGCTACCTGCACGCCTGCCGGCATCAGAACGAGAGCAAATCGAGGA-3'
Protein context (NP_001362453.1, residues 3163-3183): FVKERQLHLG[Val3173Met]SAITCYLHAC